The following is an entry in ClinVar:

ClinVar aggregate classification (germline): Uncertain significance. Review status: criteria provided, multiple submitters, no conflicts (2 of 4 stars). 2 submissions from 2 submitters: Uncertain significance (2). Last evaluated 2025-10-28.

Allele frequency attached by ClinVar (database versions not stated): gnomAD exomes below 0.00001.
gnomAD v4.1: 1 of 1,614,086 alleles (0.000062%); highest among the groups gnomAD compares: Admixed American, 0.0017%; no homozygotes.

Submissions (2):

Ambry Genetics
Classification: Uncertain significance. Last evaluated: 2025-10-28. Review status: criteria provided, single submitter. Criteria: Ambry Variant Classification Scheme 2023. Collection method: clinical testing. Allele origin: germline.

Labcorp Genetics (formerly Invitae), Labcorp
Classification: Uncertain significance. Last evaluated: 2020-06-08. Review status: criteria provided, single submitter. Criteria: Invitae Variant Classification Sherloc (09022015). Collection method: clinical testing. Allele origin: germline.
Comment: This sequence change replaces arginine with lysine at codon 24 of the CCNF protein (p.Arg24Lys). The arginine residue is moderately conserved and there is a small physicochemical difference between arginine and lysine. This variant is not present in population databases (ExAC no frequency). This variant has not been reported in the literature in individuals with CCNF-related conditions. Algorithms developed to predict the effect of missense changes on protein structure and function output the following: SIFT: "Tolerated"; PolyPhen-2: "Benign"; Align-GVGD: "Class C0". The lysine amino acid residue is found in multiple mammalian species, suggesting that this missense change does not adversely affect protein function. These predictions have not been confirmed by published functional studies and their clinical significance is uncertain. In summary, the available evidence is currently insufficient to determine the role of this variant in disease. Therefore, it has been classified as a Variant of Uncertain Significance.

NM_001761.3(CCNF):c.71G>A (p.Arg24Lys)

Gene: CCNF (cyclin F; plus strand). Cytogenetic location: 16p13.3.
Variant type: single nucleotide variant.
Coding change: c.71G>A on transcript NM_001761.3 (MANE Select); coding-DNA position 71, G replaced by A.
Protein change: p.Arg24Lys; replaces arginine 24 with lysine.
Molecular consequence: missense variant. On other transcripts: 5 prime UTR variant (1).
Genome position (GRCh38, 1-based): chr16:2,431,184, G>A. VCF-style: chr16-2431184-G-A. GRCh37 (hg19) VCF-style: chr16-2481185-G-A.
Other names: c.-747G>A (NM_001323538.2); c.71G>A (NM_001761.2); short protein forms R24K.
Identifiers: ClinVar variation 1015932 (VCV001015932.9), dbSNP rs2065260644, ClinGen allele CA394338230.